The following is an entry in ClinVar:

NM_002168.4(IDH2):c.145C>G (p.Pro49Ala)

Gene: IDH2 (isocitrate dehydrogenase (NADP(+)) 2; minus strand). Cytogenetic location: 15q26.1.
Variant type: single nucleotide variant.
Coding change: c.145C>G on transcript NM_002168.4 (MANE Select); coding-DNA position 145, C replaced by G.
Protein change: p.Pro49Ala; replaces proline 49 with alanine.
Molecular consequence: missense variant. On other transcripts: 5 prime UTR variant (1), intron variant (1).
Genome position (GRCh38, 1-based): chr15:90,091,615, G>C on the plus strand (C>G on the coding strand, the complement: IDH2 is on the minus strand). VCF-style: chr15-90091615-G-C. GRCh37 (hg19) VCF-style: chr15-90634847-G-C.
Other names: c.-12C>G (NM_001289910.1); c.-17-2868C>G (NM_001290114.2); short protein forms P49A.
Identifiers: ClinVar variation 1800932 (VCV001800932.7), dbSNP rs1164126819, ClinGen allele CA393803077.

ClinVar aggregate classification (germline): Uncertain significance. Review status: criteria provided, multiple submitters, no conflicts (2 of 4 stars). 3 submissions from 3 submitters: Uncertain significance (3). Last evaluated 2025-05-30.

Conditions:
D-2-hydroxyglutaric aciduria 2 (D2HGA2). Identifiers: Orphanet 79315, MedGen C3150909, MONDO:0013345, OMIM 613657.

Submissions (3):

3billion
Classification: Uncertain significance for D-2-hydroxyglutaric aciduria 2. Last evaluated: 2025-05-30. Review status: criteria provided, single submitter. Criteria: ACMG Guidelines, 2015. Collection method: clinical testing. Allele origin: germline. Affected: yes.
Comment: The variant is not observed in the gnomAD v4.1.0 dataset. Predicted Consequence/Location: Missense variant. Missense changes are a common disease-causing mechanism. In silico tool predictions suggest damaging effect of the variant on gene or gene product [REVEL: 0.46 (>=0.6, sensitivity 0.68 and specificity 0.92); 3Cnet: 0.95 (> 0.75, sensitivity 0.96 and precision 0.92)]. The variant has been reported as of uncertain significance (ClinVar ID: VCV001800932). Therefore, this variant is classified as VUS according to the recommendation of ACMG/AMP guideline.

GeneDx
Classification: Uncertain significance. Last evaluated: 2022-05-24. Review status: criteria provided, single submitter. Criteria: GeneDx Variant Classification Process June 2021. Collection method: clinical testing. Allele origin: germline. Affected: yes.
Comment: Not observed at significant frequency in large population cohorts (gnomAD); In silico analysis supports that this missense variant has a deleterious effect on protein structure/function; Has not been previously published as pathogenic or benign to our knowledge

Labcorp Genetics (formerly Invitae), Labcorp
Classification: Uncertain significance for D-2-hydroxyglutaric aciduria 2. Last evaluated: 2022-03-26. Review status: criteria provided, single submitter. Criteria: Invitae Variant Classification Sherloc (09022015). Collection method: clinical testing. Allele origin: germline.
Comment: In summary, the available evidence is currently insufficient to determine the role of this variant in disease. Therefore, it has been classified as a Variant of Uncertain Significance. Algorithms developed to predict the effect of missense changes on protein structure and function (SIFT, PolyPhen-2, Align-GVGD) all suggest that this variant is likely to be disruptive. This variant has not been reported in the literature in individuals affected with IDH2-related conditions. This variant is not present in population databases (gnomAD no frequency). This sequence change replaces proline, which is neutral and non-polar, with alanine, which is neutral and non-polar, at codon 49 of the IDH2 protein (p.Pro49Ala).